The following is an entry in ClinVar:

ClinVar aggregate classification (germline): Benign/Likely benign. Review status: criteria provided, multiple submitters, no conflicts (2 of 4 stars). 5 submissions from 5 submitters: Benign (1); Likely benign (4). Last evaluated 2026-01-15.

Conditions:
Hereditary cancer-predisposing syndrome. Also called: Hereditary neoplastic syndrome; Tumor predisposition; Hereditary Cancer Syndrome; Neoplastic Syndromes, Hereditary. Identifiers: Orphanet 140162, MedGen C0027672, MeSH D009386, MONDO:0015356.
Multiple endocrine neoplasia, type 2 (MEN2). Identifiers: Orphanet 653, MedGen C4048306, MONDO:0019003. Disease mechanism: gain of function.
Multiple endocrine neoplasia type 2A. Also called: Multiple Endocrine Neoplasia Type 2A (MEN2A); MULTIPLE ENDOCRINE NEOPLASIA, TYPE IIA; PTC SYNDROME; SIPPLE SYNDROME; MEN 2A; MEN-2A syndrome. Identifiers: Orphanet 247698, Orphanet 653, MedGen C0025268, MeSH D018813, MONDO:0008234, OMIM 171400.

Allele frequency attached by ClinVar (database versions not stated): gnomAD 0.00001; gnomAD exomes 0.00001 and 0.00003; TOPMed 0.00002; ExAC 0.00003.
gnomAD v4.1: 18 of 1,613,384 alleles (0.0011%); highest among the groups gnomAD compares: East Asian, 0.0045%; no homozygotes.

Submissions (5):

Labcorp Genetics (formerly Invitae), Labcorp
Classification: Likely benign for Multiple endocrine neoplasia, type 2. Last evaluated: 2026-01-15. Review status: criteria provided, single submitter. Criteria: Invitae Variant Classification Sherloc (09022015). Collection method: clinical testing. Allele origin: germline.

Myriad Genetics, Inc.
Classification: Benign for Multiple endocrine neoplasia type 2A. Last evaluated: 2025-02-27. Review status: criteria provided, single submitter. Criteria: Myriad Autosomal Dominant, Autosomal Recessive and X-Linked Classification Criteria (2023). Collection method: clinical testing. Allele origin: unknown.
Comment: This variant is considered benign. This variant is a silent/synonymous amino acid change and it is not expected to impact splicing.

Color Diagnostics, LLC DBA Color Health
Classification: Likely benign for Multiple endocrine neoplasia, type 2. Last evaluated: 2022-09-29. Review status: criteria provided, single submitter. Criteria: ACMG Guidelines, 2015. Collection method: clinical testing. Allele origin: germline.

Ambry Genetics
Classification: Likely benign for Hereditary cancer-predisposing syndrome. Last evaluated: 2022-03-28. Review status: criteria provided, single submitter. Criteria: Ambry Variant Classification Scheme 2023. Collection method: clinical testing. Allele origin: germline.

Laboratory for Molecular Medicine, Mass General Brigham Personalized Medicine
Classification: Likely benign. Last evaluated: 2016-08-12. Review status: criteria provided, single submitter. Criteria: LMM Criteria. Collection method: clinical testing. Allele origin: germline.
Comment: Variant identified in a genome or exome case(s) and assessed due to predicted null impact of the variant or pathogenic assertions in the literature or databases. Disclaimer: This variant has not undergone full assessment. The following are preliminary notes: Silent, not in splice consensus; Reported in 1 Hirschprung proband; ClinVar: 1 VUS

Literature cited by the submitters: PubMed 22174939 (cited by Ambry Genetics).

NM_020975.6(RET):c.2547C>T (p.Gly849=)

Gene: RET (ret proto-oncogene; plus strand). Cytogenetic location: 10q11.21.
Variant type: single nucleotide variant.
Coding change: c.2547C>T on transcript NM_020975.6 (MANE Select); coding-DNA position 2547, C replaced by T.
Protein change: p.Gly849=; no amino-acid change (glycine 849 retained).
Molecular consequence: synonymous variant.
Genome position (GRCh38, 1-based): chr10:43,119,685, C>T. VCF-style: chr10-43119685-C-T. GRCh37 (hg19) VCF-style: chr10-43615133-C-T.
Other names: c.2547C>T, p.Gly849= (NM_000323.2, NM_001406743.1, NM_001406744.1 and 4 more transcripts); c.1785C>T, p.Gly595= (NM_001355216.2); c.2418C>T, p.Gly806= (NM_001406761.1, NM_001406762.1, NM_001406764.1); c.2412C>T, p.Gly804= (NM_001406763.1, NM_001406765.1); c.2259C>T, p.Gly753= (NM_001406766.1, NM_001406767.1, NM_001406770.1); c.2283C>T, p.Gly761= (NM_001406768.1); c.2151C>T, p.Gly717= (NM_001406769.1, NM_001406772.1); c.2109C>T, p.Gly703= (NM_001406771.1, NM_001406773.1); and 10 more.
Identifiers: ClinVar variation 220085 (VCV000220085.19), dbSNP rs770674650, ClinGen allele CA039748.
Genomic context (GRCh38, chr10:43,119,685, plus strand): 5'-TGGAGGCAGCCGCAACTCCAGCTCCCTGGACCACCCGGATGAGCGGGCCCTCACCATGGG[C>T]GACCTCATCTCATTTGCCTGGCAGATCTCACAGGGGATGCAGTATCTGGCCGAGATGAAG-3'
Protein context (NP_066124.1, residues 839-859): DHPDERALTM[Gly849=]DLISFAWQIS